The following is an entry in ClinVar:

NM_020547.3(AMHR2):c.238C>T (p.Arg80Ter)

Gene: AMHR2 (anti-Mullerian hormone receptor type 2; plus strand). Cytogenetic location: 12q13.13.
Variant type: single nucleotide variant.
Coding change: c.238C>T on transcript NM_020547.3 (MANE Select); coding-DNA position 238, C replaced by T.
Protein change: p.Arg80Ter; replaces arginine 80 with a stop codon.
Molecular consequence: nonsense.
Genome position (GRCh38, 1-based): chr12:53,424,714, C>T. VCF-style: chr12-53424714-C-T. GRCh37 (hg19) VCF-style: chr12-53818498-C-T.
Other names: c.238C>T, p.Arg80Ter (NM_001164690.2, NM_001164691.2); short protein forms R80*.
Identifiers: ClinVar variation 1705324 (VCV001705324.1), dbSNP rs376565347, ClinGen allele CA6600291.

ClinVar aggregate classification (germline): Pathogenic (1 of 4 stars; one submission).

Conditions:
Persistent Mullerian duct syndrome (PMDS). Also called: FEMALE GENITAL DUCTS IN OTHERWISE NORMAL MALE; HERNIA UTERI INGUINALE; PERSISTENT MULLERIAN DUCT SYNDROME, TYPES I AND II; PERSISTENT OVIDUCT SYNDROME; PSEUDOHERMAPHRODITISM, MALE INTERNAL. Identifiers: Orphanet 2856, MedGen C1849930, MONDO:0009857, OMIM 261550.

Allele frequency attached by ClinVar (database versions not stated): ExAC 0.00001; gnomAD 0.00001; gnomAD exomes 0.00001; TOPMed 0.00002; ESP Exome Variant Server 0.00008.
gnomAD v4.1: 12 of 1,613,510 alleles (0.00074%); highest among the groups gnomAD compares: African/African-American, 0.0027%; no homozygotes.

Submission:

3billion
Classification: Pathogenic for Persistent Mullerian duct syndrome. Last evaluated: 2022-09-01. Review status: criteria provided, single submitter. Criteria: ACMG Guidelines, 2015. Collection method: clinical testing. Allele origin: germline. Affected: yes. Observed: 1 homozygote.
Comment: The variant is observed at an extremely low frequency in the gnomAD v2.1.1 dataset (total allele frequency: <0.001%). Stop-gained (nonsense) is predicted to result in a loss or disruption of normal protein function through nonsense-mediated decay (NMD) or protein truncation. Multiple pathogenic variants are reported downstream of the variant. The variant has been reported to be associated with AMHR2-related disorder (PMID: 8872466). Therefore, this variant is classified as Pathogenic according to the recommendation of ACMG/AMP guideline.

Literature cited by the submitters: PubMed 8872466.